The following is an entry in ClinVar:

NM_004972.4(JAK2):c.2488_2490delinsGTA (p.Leu830Val)

Genes: INSL6 (insulin like 6; minus strand), JAK2 (Janus kinase 2; plus strand). Cytogenetic location: 9p24.1.
Variant type: Indel.
Coding change: c.2488_2490delinsGTA on transcript NM_004972.4 (MANE Select); coding-DNA positions 2488 to 2490, CTG replaced by GTA.
Protein change: p.Leu830Val; replaces leucine 830 with valine.
Molecular consequence: missense variant. On other transcripts: non-coding transcript variant (2).
Genome position (GRCh38, 1-based): chr9:5,081,778-5,081,780, CTG replaced by GTA. VCF-style: chr9-5081778-CTG-GTA. GRCh37 (hg19) VCF-style: chr9-5081778-CTG-GTA.
Other names: p.Leu830Val; c.2488_2490delinsGTA, p.Leu830Val (NM_001322194.2, NM_001322195.2, NM_001322196.2); c.1273_1275delinsGTA, p.Leu425Val (NM_001322198.2, NM_001322199.2); c.2041_2043delinsGTA, p.Leu681Val (NM_001322204.2); c.2488_2490delCTGinsGTA, p.Leu830Val (NM_004972.3); short protein forms L425V, L681V, L830V.
Identifiers: ClinVar variation 3379846 (VCV003379846.1).
Genomic context (GRCh38, chr9:5,081,778, plus strand): 5'-TCTCCAGATTATGAACTATTAACAGAAAATGACATGTTACCAAATATGAGGATAGGTGCC[CTG>GTA]GGGTTTTCTGGTGCCTTTGAAGACCGGGATCCTACACAGTTTGAAGAGAGACATTTGAAA-3'
Protein context (NP_004963.1, residues 820-840): DMLPNMRIGA[Leu830Val]GFSGAFEDRD

ClinVar aggregate classification (germline): Uncertain significance (1 of 4 stars; one submission).

Submission:

Mayo Clinic Laboratories, Mayo Clinic
Classification: Uncertain significance. Last evaluated: 2023-07-11. Review status: criteria provided, single submitter. Criteria: ACMG Guidelines, 2015. Collection method: clinical testing. Allele origin: germline. Observed: 1 variant allele.
Comment: PM2_moderate